The following is an entry in ClinVar:

NM_001267550.2(TTN):c.44154+6G>T

Gene: TTN (titin; minus strand). Cytogenetic location: 2q31.2.
Variant type: single nucleotide variant.
Coding change: c.44154+6G>T on transcript NM_001267550.2 (MANE Select); 6 bases into the intron after coding-DNA position 44154, G replaced by T.
Molecular consequence: intron variant.
Genome position (GRCh38, 1-based): chr2:178,630,798, C>A on the plus strand (G>T on the coding strand, the complement: TTN is on the minus strand). VCF-style: chr2-178630798-C-A. GRCh37 (hg19) VCF-style: chr2-179495525-C-A.
Other names: p.?; c.16959+6G>T (NM_003319.4); c.17535+6G>T (NM_133437.4); c.17334+6G>T (NM_133432.3); c.36450+6G>T (NM_133378.4); c.39231+6G>T (NM_001256850.1).
Identifiers: ClinVar variation 202267 (VCV000202267.6), dbSNP rs794729234, ClinGen allele CA308937.

ClinVar aggregate classification (germline): Conflicting classifications of pathogenicity. Review status: criteria provided, conflicting classifications (1 of 4 stars). 4 submissions from 4 submitters: Uncertain significance (2); Benign (1); Likely benign (1). Last evaluated 2025-12-26.

Conditions:
Dilated cardiomyopathy 1G (CMD1G). Identifiers: Orphanet 154, MedGen C1858763, MONDO:0011400, OMIM 604145.
Autosomal recessive limb-girdle muscular dystrophy type 2J (LGMDR10). Also called: MUSCULAR DYSTROPHY, LIMB-GIRDLE, AUTOSOMAL RECESSIVE 10; Limb-girdle muscular dystrophy, type 2J. Identifiers: Orphanet 140922, MedGen C1837342, MONDO:0012127, OMIM 608807.

Allele frequency attached by ClinVar (database versions not stated): TOPMed 0.00001; gnomAD 0.00001.
gnomAD v4.1: 5 of 1,609,804 alleles (0.00031%); highest among the groups gnomAD compares: Non-Finnish European, 0.00042%; no homozygotes.

Submissions (4):

Women's Health and Genetics/Laboratory Corporation of America, LabCorp
Classification: Uncertain significance. Last evaluated: 2025-12-26. Review status: criteria provided, single submitter. Criteria: LabCorp Variant Classification Summary - May 2015. Collection method: clinical testing. Allele origin: germline.

Mayo Clinic Laboratories, Mayo Clinic
Classification: Likely benign. Last evaluated: 2025-12-06. Review status: criteria provided, single submitter. Criteria: ACMG Guidelines, 2015. Collection method: clinical testing. Allele origin: germline. Observed: 1 variant allele.
Comment: BP4, BP7

Labcorp Genetics (formerly Invitae), Labcorp
Classification: Uncertain significance for Dilated cardiomyopathy 1G; Autosomal recessive limb-girdle muscular dystrophy type 2J. Last evaluated: 2017-05-22. Review status: criteria provided, single submitter. Criteria: Invitae Variant Classification Sherloc (09022015). Collection method: clinical testing. Allele origin: germline.

GeneDx
Classification: Benign. Last evaluated: 2014-09-05. Review status: criteria provided, single submitter. Criteria: GeneDx Variant Classification (06012015). Collection method: clinical testing. Allele origin: germline. Affected: yes.
Comment: This variant is considered likely benign or benign based on one or more of the following criteria: it is a conservative change, it occurs at a poorly conserved position in the protein, it is predicted to be benign by multiple in silico algorithms, and/or has population frequency not consistent with disease.